The following is an entry in ClinVar:

ClinVar aggregate classification (germline): Uncertain significance. Review status: criteria provided, multiple submitters, no conflicts (2 of 4 stars). 4 submissions from 4 submitters: Uncertain significance (4). Last evaluated 2025-12-24.

Conditions:
Familial thoracic aortic aneurysm and aortic dissection (TAAD). Also called: Thoracic aortic aneurysms and dissections. Identifiers: Orphanet 91387, MedGen C4707243, MONDO:0019625.
Shprintzen-Goldberg syndrome (SGS). Also called: SHPRINTZEN-GOLDBERG CRANIOSYNOSTOSIS SYNDROME; CRANIOSYNOSTOSIS WITH ARACHNODACTYLY AND ABDOMINAL HERNIAS; Marfanoid disorder with craniosynostosis type 1; Marfanoid craniosynostosis syndrome; Shprintzen-Goldberg marfanoid syndrome. Identifiers: Orphanet 2462, MedGen C1321551, MONDO:0008426, OMIM 182212.

Allele frequency attached by ClinVar (database versions not stated): gnomAD exomes below 0.00001; TOPMed 0.00001; gnomAD 0.00002.
gnomAD v4.1: 9 of 1,551,566 alleles (0.00058%); highest among the groups gnomAD compares: African/African-American, 0.0027%; no homozygotes.

Submissions (4):

Labcorp Genetics (formerly Invitae), Labcorp
Classification: Uncertain significance for Shprintzen-Goldberg syndrome. Last evaluated: 2025-12-24. Review status: criteria provided, single submitter. Criteria: Invitae Variant Classification Sherloc (09022015). Collection method: clinical testing. Allele origin: germline.
Comment: This sequence change replaces serine, which is neutral and polar, with leucine, which is neutral and non-polar, at codon 498 of the SKI protein (p.Ser498Leu). This variant is not present in population databases (gnomAD no frequency). This variant has not been reported in the literature in individuals affected with SKI-related conditions. ClinVar contains an entry for this variant (Variation ID: 1773832). Invitae Evidence Modeling of protein sequence and biophysical properties (such as structural, functional, and spatial information, amino acid conservation, physicochemical variation, residue mobility, and thermodynamic stability) indicates that this missense variant is not expected to disrupt SKI protein function with a negative predictive value of 95%. Algorithms developed to predict the effect of sequence changes on RNA splicing suggest that this variant may disrupt the consensus splice site. In summary, the available evidence is currently insufficient to determine the role of this variant in disease. Therefore, it has been classified as a Variant of Uncertain Significance.

Ambry Genetics
Classification: Uncertain significance for Familial thoracic aortic aneurysm and aortic dissection. Last evaluated: 2025-11-22. Review status: criteria provided, single submitter. Criteria: Ambry Variant Classification Scheme 2023. Collection method: clinical testing. Allele origin: germline.
Comment: The p.S498L variant (also known as c.1493C>T), located in coding exon 5 of the SKI gene, results from a C to T substitution at nucleotide position 1493. The serine at codon 498 is replaced by leucine, an amino acid with dissimilar properties. This amino acid position is conserved. In addition, the in silico prediction for this alteration is inconclusive. Since supporting evidence is limited at this time, the clinical significance of this alteration remains unclear.

GeneDx
Classification: Uncertain significance. Last evaluated: 2024-04-03. Review status: criteria provided, single submitter. Criteria: GeneDx Variant Classification Process June 2021. Collection method: clinical testing. Allele origin: germline. Affected: yes.
Comment: Has not been previously published as pathogenic or benign to our knowledge; Not observed at significant frequency in large population cohorts (gnomAD); At the protein level, in silico analysis supports that this missense variant does not alter protein structure/function; At the mRNA level, in silico analysis is inconclusive as to whether the variant alters gene splicing. In the absence of RNA/functional studies, the actual effect of this sequence change is unknown.

Blueprint Genetics
Classification: Uncertain significance. Last evaluated: 2021-01-15. Review status: criteria provided, single submitter. Criteria: ACMG Guidelines, 2015. Collection method: clinical testing. Allele origin: germline.

NM_003036.4(SKI):c.1493C>T (p.Ser498Leu)

Gene: SKI (SKI proto-oncogene; plus strand). Cytogenetic location: 1p36.32.
Variant type: single nucleotide variant.
Coding change: c.1493C>T on transcript NM_003036.4 (MANE Select); coding-DNA position 1493, C replaced by T.
Protein change: p.Ser498Leu; replaces serine 498 with leucine.
Molecular consequence: missense variant.
Genome position (GRCh38, 1-based): chr1:2,304,311, C>T. VCF-style: chr1-2304311-C-T. GRCh37 (hg19) VCF-style: chr1-2235750-C-T.
Other names: short protein forms S498L.
Identifiers: ClinVar variation 1773832 (VCV001773832.8), dbSNP rs1640510465, ClinGen allele CA337957026.
Genomic context (GRCh38, chr1:2,304,311, plus strand): 5'-GGCACTTCCATGACTTTGTTTCTGTCTCTGCTTCCTCCTCAGTCACCTCCTCCTTGTCCT[C>T]GCTCTCTTCCCCGTCCTTTACCTCATCCAGCTCCGCCAAGGACCTGGGCTCCCCGGGTGC-3'
Protein context (NP_003027.1, residues 488-508): SREEFTSSLS[Ser498Leu]LSSPSFTSSS